The following is an entry in ClinVar:

ClinVar aggregate classification (germline): Uncertain significance (1 of 4 stars; one submission).

Conditions:
POLD1-related polyposis and colorectal cancer syndrome (CRCS10). Also called: Colorectal cancer 10; COLORECTAL CANCER, SUSCEPTIBILITY TO, ON CHROMOSOME 19q; Colorectal cancer, susceptibility to, 10. Identifiers: Orphanet 220460, MedGen C2675481, MONDO:0012953, OMIM 612591.

Submission:

Labcorp Genetics (formerly Invitae), Labcorp
Classification: Uncertain significance for POLD1-related polyposis and colorectal cancer syndrome. Last evaluated: 2024-10-12. Review status: criteria provided, single submitter. Criteria: Invitae Variant Classification Sherloc (09022015). Collection method: clinical testing. Allele origin: germline.
Comment: This sequence change affects a splice site in intron 24 of the POLD1 gene. It is expected to disrupt RNA splicing. Variants that disrupt the donor or acceptor splice site typically lead to a loss of protein function (PMID: 16199547), however the current clinical and genetic evidence is not sufficient to establish whether loss-of-function variants in POLD1 cause disease. This variant is not present in population databases (gnomAD no frequency). This variant has not been reported in the literature in individuals affected with POLD1-related conditions. Algorithms developed to predict the effect of sequence changes on RNA splicing suggest that this variant may disrupt the consensus splice site. In summary, the available evidence is currently insufficient to determine the role of this variant in disease. Therefore, it has been classified as a Variant of Uncertain Significance.

Literature cited by the submitters: PubMed 16199547.

NM_002691.4(POLD1):c.3067+1_3067+2insC

Gene: POLD1 (DNA polymerase delta 1, catalytic subunit; plus strand). Cytogenetic location: 19q13.33.
Variant type: Insertion.
Coding change: c.3067+1_3067+2insC on transcript NM_002691.4 (MANE Select); the canonical splice donor site of the intron after coding-DNA position 3067, C inserted.
Molecular consequence: splice donor variant.
Genome position: GRCh38 VCF-style: chr19-50416724-G-GC. GRCh37 (hg19) VCF-style: chr19-50919981-G-GC.
Other names: c.3067+1_3067+2insC (NM_001256849.1); c.3145+1_3145+2insC (NM_001308632.1).
Identifiers: ClinVar variation 3722741 (VCV003722741.2).